The following is an entry in ClinVar:

NM_001040142.2(SCN2A):c.1744G>A (p.Gly582Ser)

Gene: SCN2A (sodium voltage-gated channel alpha subunit 2; plus strand). Cytogenetic location: 2q24.3.
Variant type: single nucleotide variant.
Coding change: c.1744G>A on transcript NM_001040142.2 (MANE Select); coding-DNA position 1744, G replaced by A.
Protein change: p.Gly582Ser; replaces glycine 582 with serine.
Molecular consequence: missense variant.
Genome position (GRCh38, 1-based): chr2:165,323,228, G>A. VCF-style: chr2-165323228-G-A. GRCh37 (hg19) VCF-style: chr2-166179738-G-A.
Other names: c.1744G>A, p.Gly582Ser (NM_001040143.2, NM_001371246.1, NM_001371247.1 and 1 more transcripts); short protein forms G582S.
Identifiers: ClinVar variation 4793050 (VCV004793050.1).

ClinVar aggregate classification (germline): Uncertain significance (1 of 4 stars; one submission).

Conditions:
Developmental and epileptic encephalopathy, 11 (DEE11). Also called: Early infantile epileptic encephalopathy 11. Identifiers: Orphanet 1934, MedGen C3150987, MONDO:0013388, OMIM 613721.
Seizures, benign familial infantile, 3 (BFIS3). Also called: Familial neonatal seizures; CONVULSIONS, BENIGN FAMILIAL INFANTILE, 3. Identifiers: Orphanet 140927, Orphanet 306, MedGen C1843140, MONDO:0011904, OMIM 607745.

Submission:

Labcorp Genetics (formerly Invitae), Labcorp
Classification: Uncertain significance for Seizures, benign familial infantile, 3; Developmental and epileptic encephalopathy, 11. Last evaluated: 2025-03-11. Review status: criteria provided, single submitter. Criteria: Invitae Variant Classification Sherloc (09022015). Collection method: clinical testing. Allele origin: germline.
Comment: This sequence change replaces glycine, which is neutral and non-polar, with serine, which is neutral and polar, at codon 582 of the SCN2A protein (p.Gly582Ser). This variant is not present in population databases (gnomAD no frequency). This variant has not been reported in the literature in individuals affected with SCN2A-related conditions. Invitae Evidence Modeling of protein sequence and biophysical properties (such as structural, functional, and spatial information, amino acid conservation, physicochemical variation, residue mobility, and thermodynamic stability) has been performed for this missense variant. However, the output from this modeling did not meet the statistical confidence thresholds required to predict the impact of this variant on SCN2A protein function. In summary, the available evidence is currently insufficient to determine the role of this variant in disease. Therefore, it has been classified as a Variant of Uncertain Significance.